The following is an entry in ClinVar:

NM_001134363.3(RBM20):c.3266C>A (p.Pro1089His)

Gene: RBM20 (RNA binding motif protein 20; plus strand). Cytogenetic location: 10q25.2.
Variant type: single nucleotide variant.
Coding change: c.3266C>A on transcript NM_001134363.3 (MANE Select); coding-DNA position 3266, C replaced by A.
Protein change: p.Pro1089His; replaces proline 1089 with histidine.
Molecular consequence: missense variant.
Genome position (GRCh38, 1-based): chr10:110,821,885, C>A. VCF-style: chr10-110821885-C-A. GRCh37 (hg19) VCF-style: chr10-112581643-C-A.
Other names: short protein forms P1089H.
Identifiers: ClinVar variation 843635 (VCV000843635.9), dbSNP rs772708424, ClinGen allele CA378382343.

ClinVar aggregate classification (germline): Conflicting classifications of pathogenicity. Review status: criteria provided, conflicting classifications (1 of 4 stars). 2 submissions from 2 submitters: Uncertain significance (1); Likely benign (1). Last evaluated 2026-09-14.

Conditions:
Dilated cardiomyopathy 1DD (CMD1DD). Identifiers: Orphanet 154, MedGen C2750995, MONDO:0013168, OMIM 613172.
Cardiovascular phenotype. Identifiers: MedGen CN230736.

gnomAD v4.1: 12 of 1,551,720 alleles (0.00077%); highest among the groups gnomAD compares: East Asian, 0.0098%; no homozygotes.

Submissions (2):

Ambry Genetics
Classification: Likely benign for Cardiovascular phenotype. Last evaluated: 2026-09-14. Review status: criteria provided, single submitter. Criteria: Ambry Variant Classification Scheme 2023. Collection method: clinical testing. Allele origin: germline.

Labcorp Genetics (formerly Invitae), Labcorp
Classification: Uncertain significance for Dilated cardiomyopathy 1DD. Last evaluated: 2025-06-22. Review status: criteria provided, single submitter. Criteria: Invitae Variant Classification Sherloc (09022015). Collection method: clinical testing. Allele origin: germline.
Comment: This sequence change replaces proline, which is neutral and non-polar, with histidine, which is basic and polar, at codon 1089 of the RBM20 protein (p.Pro1089His). This variant is not present in population databases (gnomAD no frequency). This variant has not been reported in the literature in individuals affected with RBM20-related conditions. ClinVar contains an entry for this variant (Variation ID: 843635). Invitae Evidence Modeling of protein sequence and biophysical properties (such as structural, functional, and spatial information, amino acid conservation, physicochemical variation, residue mobility, and thermodynamic stability) indicates that this missense variant is not expected to disrupt RBM20 protein function with a negative predictive value of 95%. In summary, the available evidence is currently insufficient to determine the role of this variant in disease. Therefore, it has been classified as a Variant of Uncertain Significance.